The following is an entry in ClinVar:

NM_001365951.3(KIF1B):c.1823A>G (p.Asn608Ser)

Gene: KIF1B (kinesin family member 1B; plus strand). Cytogenetic location: 1p36.22.
Variant type: single nucleotide variant.
Coding change: c.1823A>G on transcript NM_001365951.3 (MANE Select); coding-DNA position 1823, A replaced by G.
Protein change: p.Asn608Ser; replaces asparagine 608 with serine.
Molecular consequence: missense variant.
Genome position (GRCh38, 1-based): chr1:10,296,627, A>G. VCF-style: chr1-10296627-A-G. GRCh37 (hg19) VCF-style: chr1-10356685-A-G.
Other names: c.1823A>G, p.Asn608Ser (NM_001365952.1); c.1685A>G, p.Asn562Ser (NM_001365953.1, NM_015074.3, NM_183416.4); short protein forms N562S, N608S.
Identifiers: ClinVar variation 4543665 (VCV004543665.1).

ClinVar aggregate classification (germline): Uncertain significance (1 of 4 stars; one submission).

Submission:

Ambry Genetics
Classification: Uncertain significance. Last evaluated: 2025-11-03. Review status: criteria provided, single submitter. Criteria: Ambry Variant Classification Scheme 2023. Collection method: clinical testing. Allele origin: germline.
Comment: The p.N562S variant (also known as c.1685A>G), located in coding exon 17 of the KIF1B gene, results from an A to G substitution at nucleotide position 1685. The asparagine at codon 562 is replaced by serine, an amino acid with highly similar properties. This amino acid position is conserved. In addition, the in silico prediction for this alteration is inconclusive. Based on the available evidence, the clinical significance of this variant remains unclear.